The following is an entry in ClinVar:

ClinVar aggregate classification (germline): Conflicting classifications of pathogenicity. Review status: criteria provided, conflicting classifications (1 of 4 stars). 4 submissions from 4 submitters: Uncertain significance (1); Likely benign (2). 1 of the submissions does not count toward it. Last evaluated 2026-03-18.

Conditions:
COL1A2-related disorder. Also called: COL1A2-Related Disorders; COL1A2-related condition.
Osteogenesis imperfecta type I (OI1). Also called: OI, TYPE I; OSTEOGENESIS IMPERFECTA TARDA; OSTEOGENESIS IMPERFECTA WITH BLUE SCLERAE; Osteogenesis imperfecta type 1; Classic Non-deforming Osteogenesis Imperfecta with Blue Sclerae; Lobstein's Disease. Identifiers: Orphanet 216796, Orphanet 666, MedGen C0023931, MONDO:0008146, OMIM 166200. Disease mechanism: loss of function.
Ehlers-Danlos syndrome, classic type, 1 (EDSCL1). Also called: EDS I; EHLERS-DANLOS SYNDROME, GRAVIS TYPE; EHLERS-DANLOS SYNDROME, SEVERE CLASSIC TYPE; Ehlers-Danlos Syndrome, Classic Type, COL5A1-Related; Ehlers-Danlos syndrome, type 1. Identifiers: MedGen C0268335, MONDO:0019567, OMIM 130000.
Osteogenesis imperfecta (OI). Identifiers: Orphanet 666, MedGen C0029434, MeSH D010013, MONDO:0019019.

Allele frequency attached by ClinVar (database versions not stated): gnomAD 0.00004 and 0.00005; ExAC 0.00001; gnomAD exomes 0.00001; TOPMed 0.00003; 1000 Genomes Project 30x 0.00031.

Submissions (4):

Women's Health and Genetics/Laboratory Corporation of America, LabCorp
Classification: Likely benign. Last evaluated: 2026-03-18. Review status: criteria provided, single submitter. Criteria: LabCorp Variant Classification Summary - May 2015. Collection method: clinical testing. Allele origin: germline.
Comment: Variant summary: COL1A2 c.71-7T>C alters a nucleotide located at a position not widely known to affect splicing. Consensus agreement among computation tools predict no significant impact on normal splicing. However, these predictions have yet to be confirmed by functional studies. The variant allele was found at a frequency of 1.2e-05 in 240722 control chromosomes. The available data on variant occurrences in the general population are insufficient to allow any conclusion about variant significance. To our knowledge, no occurrence of c.71-7T>C in individuals affected with COL1A2-related conditions and no experimental evidence demonstrating its impact on protein function have been reported. ClinVar contains an entry for this variant (Variation ID: 707323). Based on the evidence outlined above, the variant was classified as likely benign.

Labcorp Genetics (formerly Invitae), Labcorp
Classification: Likely benign for Osteogenesis imperfecta type I; Ehlers-Danlos syndrome, classic type, 1. Last evaluated: 2025-05-12. Review status: criteria provided, single submitter. Criteria: Invitae Variant Classification Sherloc (09022015). Collection method: clinical testing. Allele origin: germline.

Genome Diagnostics Laboratory, The Hospital for Sick Children
Classification: Uncertain significance for Osteogenesis imperfecta. Last evaluated: 2021-05-31. Review status: criteria provided, single submitter. Criteria: ACMG Guidelines, 2015. Collection method: clinical testing. Allele origin: germline.

PreventionGenetics, part of Exact Sciences
Classification: Likely benign for COL1A2-related condition. Last evaluated: 2023-04-20. Review status: no assertion criteria provided. Collection method: clinical testing. Allele origin: germline. Not counted in ClinVar's aggregate classification.
Comment: This variant is classified as likely benign based on ACMG/AMP sequence variant interpretation guidelines (Richards et al. 2015 PMID: 25741868, with internal and published modifications).

NM_000089.4(COL1A2):c.71-7T>C

Gene: COL1A2 (collagen type I alpha 2 chain; plus strand). Cytogenetic location: 7q21.3.
Variant type: single nucleotide variant.
Coding change: c.71-7T>C on transcript NM_000089.4 (MANE Select); 7 bases into the intron before coding-DNA position 71, T replaced by C.
Molecular consequence: intron variant.
Genome position (GRCh38, 1-based): chr7:94,397,741, T>C. VCF-style: chr7-94397741-T-C. GRCh37 (hg19) VCF-style: chr7-94027053-T-C.
Identifiers: ClinVar variation 707323 (VCV000707323.19), dbSNP rs774842422, ClinGen allele CA4346451.